The following is an entry in ClinVar:

ClinVar aggregate classification (germline): Conflicting classifications of pathogenicity. Review status: criteria provided, conflicting classifications (1 of 4 stars). 3 submissions from 3 submitters: Likely pathogenic (1); Uncertain significance (1). 1 of the submissions does not count toward it. Last evaluated 2025-02-08.

Conditions:
Tuberous sclerosis 1 (TSC1). Identifiers: Orphanet 805, MedGen C1854465, MONDO:0008612, OMIM 191100.
Tuberous sclerosis syndrome (TSC). Also called: Tuberous Sclerosis Complex; Tuberous sclerosis. Identifiers: Orphanet 805, MedGen C0041341, MONDO:0001734.

Submissions (3):

Labcorp Genetics (formerly Invitae), Labcorp
Classification: Uncertain significance for Tuberous sclerosis 1. Last evaluated: 2025-02-08. Review status: criteria provided, single submitter. Criteria: Invitae Variant Classification Sherloc (09022015). Collection method: clinical testing. Allele origin: germline.
Comment: This sequence change replaces leucine, which is neutral and non-polar, with proline, which is neutral and non-polar, at codon 117 of the TSC1 protein (p.Leu117Pro). This variant is not present in population databases (gnomAD no frequency). This missense change has been observed in individual(s) with tuberous sclerosis complex (PMID: 18830229). ClinVar contains an entry for this variant (Variation ID: 49027). Invitae Evidence Modeling of protein sequence and biophysical properties (such as structural, functional, and spatial information, amino acid conservation, physicochemical variation, residue mobility, and thermodynamic stability) has been performed for this missense variant. However, the output from this modeling did not meet the statistical confidence thresholds required to predict the impact of this variant on TSC1 protein function. Experimental studies have shown that this missense change affects TSC1 function (PMID: 18830229, 21309039, 29127155). In summary, the available evidence is currently insufficient to determine the role of this variant in disease. Therefore, it has been classified as a Variant of Uncertain Significance.

Institute of Medical Genetics and Applied Genomics, University Hospital Tübingen
Classification: Likely pathogenic for Tuberous sclerosis syndrome. Last evaluated: 2024-12-10. Review status: criteria provided, single submitter. Criteria: ACMG Guidelines, 2015. Collection method: clinical testing. Allele origin: germline. Inheritance: Autosomal dominant inheritance. Affected: yes.

Tuberous sclerosis database (TSC1)
No classification provided. Condition: TSC. Review status: no classification provided. Criteria: Tuberous Sclerosis Database Assertion Criteria 2015. Collection method: curation. Allele origin: germline. Affected: yes. Not counted in ClinVar's aggregate classification.

Literature cited by the submitters: PubMed 18830229 (cited by Labcorp Genetics (formerly Invitae), Labcorp); PubMed 21309039 (cited by Labcorp Genetics (formerly Invitae), Labcorp); PubMed 29127155 (cited by Labcorp Genetics (formerly Invitae), Labcorp).

NM_000368.5(TSC1):c.350T>C (p.Leu117Pro)

Gene: TSC1 (TSC complex subunit 1; minus strand). Cytogenetic location: 9q34.13.
Variant type: single nucleotide variant.
Coding change: c.350T>C on transcript NM_000368.5 (MANE Select); coding-DNA position 350, T replaced by C.
Protein change: p.Leu117Pro; replaces leucine 117 with proline.
Molecular consequence: missense variant. On other transcripts: 5 prime UTR variant (1), intron variant (1).
Genome position (GRCh38, 1-based): chr9:132,925,600, A>G on the plus strand (T>C on the coding strand, the complement: TSC1 is on the minus strand). VCF-style: chr9-132925600-A-G. GRCh37 (hg19) VCF-style: chr9-135800987-A-G.
Other names: c.350T>C, p.Leu117Pro (NM_001162426.2); c.-14T>C (NM_001362177.2); c.210+1601T>C (NM_001162427.2); short protein forms L117P.
Identifiers: ClinVar variation 49027 (VCV000049027.8), dbSNP rs118203368, ClinGen allele CA007394.
Genomic context (GRCh38, chr9:132,925,600, plus strand): 5'-ACTATACTCATAAAACCATTTCATTCAAATCCTTACAAACATCCTACCTTGAGACATTTT[A>G]GTAAAGAAGGCAAAAGAGGTGCTTGAGAGAGCTTATGCTTCCAAGATGGCTGCAGTCTTA-3'
Protein context (NP_000359.1, residues 107-127): LSQAPLLPSL[Leu117Pro]KCLKMDTDVV